The following is an entry in ClinVar:

NM_013275.6(ANKRD11):c.420del (p.Ser141fs)

Gene: ANKRD11 (ankyrin repeat domain 11; minus strand). Cytogenetic location: 16q24.3.
Variant type: Deletion.
Coding change: c.420del on transcript NM_013275.6 (MANE Select); coding-DNA position 420, one base deleted (C; older notation c.420delC).
Protein change: p.Ser141fs; shifts the reading frame from serine 141.
Molecular consequence: frameshift variant. On other transcripts: non-coding transcript variant (1).
Genome position (GRCh38, 1-based): chr16:89,290,806, G deleted on the plus strand (C on the coding strand, the reverse complement: ANKRD11 is on the minus strand); the first of 4 consecutive G bases (chr16:89,290,806-89,290,809); deleting any one gives the same sequence. VCF-style (leftmost placement, unchanged base first): chr16-89290805-AG-A. GRCh37 (hg19) VCF-style: chr16-89357213-AG-A.
Other names: c.420del, p.Ser141fs (NM_001256182.2, NM_001256183.2); short protein forms S141fs.
Identifiers: ClinVar variation 4890751 (VCV004890751.1).

ClinVar aggregate classification (germline): Pathogenic (1 of 4 stars; one submission).

Conditions:
KBG syndrome (KBGS). Also called: ANKRD11-Related KBG Syndrome. Identifiers: Orphanet 2332, MedGen C0220687, MONDO:0007846, OMIM 148050.

Submission:

Institute of Human Genetics, University of Leipzig Medical Center
Classification: Pathogenic for KBG syndrome. Last evaluated: 2026-08-26. Review status: criteria provided, single submitter. Criteria: ACMG Guidelines, 2015. Collection method: clinical testing. Allele origin: unknown. Inheritance: Autosomal dominant inheritance. Affected: yes.
Comment: Criteria applied: PVS1,PM2